The following is an entry in ClinVar:

ClinVar aggregate classification (germline): Likely benign. Review status: criteria provided, multiple submitters, no conflicts (2 of 4 stars). 3 submissions from 3 submitters: Likely benign (2). 1 of the submissions does not count toward it. Last evaluated 2026-07-01.

Conditions:
Achondrogenesis, type IA (ACG1A). Identifiers: Orphanet 932, Orphanet 93299, MedGen C0265273, MONDO:0008701, OMIM 200600.
TRIP11-related disorder. Also called: TRIP11-related condition; TRIP11-Related Disorders.

Allele frequency attached by ClinVar (database versions not stated): ExAC 0.00002; gnomAD exomes 0.00002 and 0.00003; gnomAD 0.00003 and 0.00004; TOPMed 0.00003.
gnomAD v4.1: 40 of 1,613,234 alleles (0.0025%); highest among the groups gnomAD compares: Non-Finnish European, 0.0032%; no homozygotes.

Submissions (3):

CeGaT Center for Human Genetics Tuebingen
Classification: Likely benign. Last evaluated: 2026-07-01. Review status: criteria provided, single submitter. Criteria: CeGaT Center For Human Genetics Tuebingen Variant Classification Criteria Version 2. Collection method: clinical testing. Allele origin: germline. Affected: yes. Observed: 1 variant allele.
Comment: TRIP11: BP4, BP7

Labcorp Genetics (formerly Invitae), Labcorp
Classification: Likely benign for Achondrogenesis, type IA. Last evaluated: 2025-03-12. Review status: criteria provided, single submitter. Criteria: Invitae Variant Classification Sherloc (09022015). Collection method: clinical testing. Allele origin: germline.

PreventionGenetics, part of Exact Sciences
Classification: Likely benign for TRIP11-related condition. Last evaluated: 2019-05-08. Review status: no assertion criteria provided. Collection method: clinical testing. Allele origin: germline. Not counted in ClinVar's aggregate classification.
Comment: This variant is classified as likely benign based on ACMG/AMP sequence variant interpretation guidelines (Richards et al. 2015 PMID: 25741868, with internal and published modifications).

NM_004239.4(TRIP11):c.3441T>C (p.Phe1147=)

Gene: TRIP11 (thyroid hormone receptor interactor 11; minus strand). Cytogenetic location: 14q32.12.
Variant type: single nucleotide variant.
Coding change: c.3441T>C on transcript NM_004239.4 (MANE Select); coding-DNA position 3441, T replaced by C.
Protein change: p.Phe1147=; no amino-acid change (phenylalanine 1147 retained).
Molecular consequence: synonymous variant.
Genome position (GRCh38, 1-based): chr14:92,004,535, A>G on the plus strand (T>C on the coding strand, the complement: TRIP11 is on the minus strand). VCF-style: chr14-92004535-A-G. GRCh37 (hg19) VCF-style: chr14-92470879-A-G.
Other names: c.3438T>C, p.Phe1146= (NM_001321851.1).
Identifiers: ClinVar variation 1595491 (VCV001595491.11), dbSNP rs757706030, ClinGen allele CA7313629.
Genomic context (GRCh38, chr14:92,004,535, plus strand): 5'-TCGAATGATACGTGATAAATTCTGAATAGTTTCTCTAAACATATCTTGGCCACTACTTTC[A>G]AATCTAGTGGACAATTTTTTATTTTCATCTTGCAGTTTGATAAGAGCTGCTTCCTTGGCA-3'
Protein context (NP_004230.2, residues 1137-1157): QDENKKLSTR[Phe1147=]ESSGQDMFRE